The following is an entry in ClinVar:

ClinVar aggregate classification (germline): Likely benign (1 of 4 stars; one submission).

Allele frequency attached by ClinVar (database versions not stated): gnomAD 0.00855 and 0.00916; 1000 Genomes Project 0.00938; TOPMed 0.00944; 1000 Genomes Project 30x 0.00984.
gnomAD v4.1: 1,286 of 152,244 alleles (0.84%); highest among the groups gnomAD compares: African/African-American, 3%; 26 homozygotes.

Submission:

GeneDx
Classification: Likely benign. Last evaluated: 2018-06-14. Review status: criteria provided, single submitter. Criteria: GeneDx Variant Classification (06012015). Collection method: clinical testing. Allele origin: germline. Affected: yes.
Comment: This variant is considered likely benign or benign based on one or more of the following criteria: it is a conservative change, it occurs at a poorly conserved position in the protein, it is predicted to be benign by multiple in silico algorithms, and/or has population frequency not consistent with disease.

NM_001042492.3(NF1):c.4174-264T>C

Gene: NF1 (neurofibromin 1; plus strand). Cytogenetic location: 17q11.2.
Variant type: single nucleotide variant.
Coding change: c.4174-264T>C on transcript NM_001042492.3 (MANE Select); 264 bases into the intron before coding-DNA position 4174, T replaced by C.
Molecular consequence: intron variant.
Genome position (GRCh38, 1-based): chr17:31,258,080, T>C. VCF-style: chr17-31258080-T-C. GRCh37 (hg19) VCF-style: chr17-29585098-T-C.
Other names: c.4111-264T>C (NM_000267.4).
Identifiers: ClinVar variation 561912 (VCV000561912.1), dbSNP rs113857757, ClinGen allele CA289350350.